The following is an entry in ClinVar:

ClinVar aggregate classification (germline): Uncertain significance (1 of 4 stars; one submission).

Conditions:
EGFR-related lung cancer (EGFR). Identifiers: MedGen CN130014.

Submission:

Labcorp Genetics (formerly Invitae), Labcorp
Classification: Uncertain significance for EGFR-related lung cancer. Last evaluated: 2025-11-17. Review status: criteria provided, single submitter. Criteria: Invitae Variant Classification Sherloc (09022015). Collection method: clinical testing. Allele origin: germline.
Comment: This sequence change replaces glycine, which is neutral and non-polar, with aspartic acid, which is acidic and polar, at codon 874 of the EGFR protein (p.Gly874Asp). This variant is not present in population databases (gnomAD no frequency). This variant has not been reported in the literature in individuals affected with EGFR-related conditions. Invitae Evidence Modeling of protein sequence and biophysical properties (such as structural, functional, and spatial information, amino acid conservation, physicochemical variation, residue mobility, and thermodynamic stability) indicates that this missense variant is not expected to disrupt EGFR protein function with a negative predictive value of 80%. In summary, the available evidence is currently insufficient to determine the role of this variant in disease. Therefore, it has been classified as a Variant of Uncertain Significance.

NM_005228.5(EGFR):c.2621G>A (p.Gly874Asp)

Gene: EGFR (epidermal growth factor receptor; plus strand). Cytogenetic location: 7p11.2.
Variant type: single nucleotide variant.
Coding change: c.2621G>A on transcript NM_005228.5 (MANE Select); coding-DNA position 2621, G replaced by A.
Protein change: p.Gly874Asp; replaces glycine 874 with aspartic acid.
Molecular consequence: missense variant.
Genome position (GRCh38, 1-based): chr7:55,191,870, G>A. VCF-style: chr7-55191870-G-A. GRCh37 (hg19) VCF-style: chr7-55259563-G-A.
Other names: c.2486G>A, p.Gly829Asp (NM_001346897.2, NM_001346899.2); c.2621G>A, p.Gly874Asp (NM_001346898.2); c.2462G>A, p.Gly821Asp (NM_001346900.2); c.1820G>A, p.Gly607Asp (NM_001346941.2); short protein forms G821D, G874D, G829D, G607D.
Identifiers: ClinVar variation 4709436 (VCV004709436.1).
Genomic context (GRCh38, chr7:55,191,870, plus strand): 5'-CAGATTTTGGGCTGGCCAAACTGCTGGGTGCGGAAGAGAAAGAATACCATGCAGAAGGAG[G>A]CAAAGTAAGGAGGTGGCTTTAGGTCAGCCAGCATTTTCCTGACACCAGGGACCAGGCTGC-3'
Protein context (NP_005219.2, residues 864-884): AEEKEYHAEG[Gly874Asp]KVPIKWMALE